The following is an entry in ClinVar:

ClinVar aggregate classification (germline): Uncertain significance. Review status: criteria provided, multiple submitters, no conflicts (2 of 4 stars). 3 submissions from 3 submitters: Uncertain significance (3). Last evaluated 2024-03-06.

Conditions:
Cardiomyopathy (CMYO). Also called: Cardiomyopathies. Identifiers: Orphanet 167848, MedGen C0878544, MONDO:0004994, HP:0001638. Inheritance: Various modes of inheritance.
Catecholaminergic polymorphic ventricular tachycardia 1. Also called: VENTRICULAR TACHYCARDIA, STRESS-INDUCED POLYMORPHIC 1; VENTRICULAR TACHYCARDIA, CATECHOLAMINERGIC POLYMORPHIC, 1, WITH OR WITHOUT ATRIAL DYSFUNCTION AND/OR DILATED CARDIOMYOPATHY; RYR2-Related Catecholaminergic Polymorphic Ventricular Tachycardia. Identifiers: Orphanet 3286, MedGen C1631597, MONDO:0011484, OMIM 604772.
Catecholaminergic polymorphic ventricular tachycardia (CVPT). Also called: Catecholamine-induced polymorphic ventricular tachycardia. Identifiers: Orphanet 3286, MedGen C5574922, MONDO:0017990.

Allele frequency attached by ClinVar (database versions not stated): TOPMed below 0.00001; gnomAD 0.00001; gnomAD exomes 0.00001.
gnomAD v4.1: 10 of 1,558,648 alleles (0.00064%); highest among the groups gnomAD compares: African/African-American, 0.0068%; no homozygotes.

Submissions (3):

Color Diagnostics, LLC DBA Color Health
Classification: Uncertain significance for Cardiomyopathy. Last evaluated: 2024-03-06. Review status: criteria provided, single submitter. Criteria: ACMG Guidelines, 2015. Collection method: clinical testing. Allele origin: germline.
Comment: This missense variant replaces aspartic acid with glycine at codon 3704 of the RYR2 protein. Computational prediction is inconclusive regarding the impact of this variant on protein structure and function (internally defined REVEL score threshold 0.5 < inconclusive < 0.7, PMID: 27666373). To our knowledge, functional studies have not been reported for this variant. This variant has not been reported in individuals affected with cardiovascular disorders in the literature. This variant has not been identified in the general population by the Genome Aggregation Database (gnomAD). The available evidence is insufficient to determine the role of this variant in disease conclusively. Therefore, this variant is classified as a Variant of Uncertain Significance.

All of Us Research Program, National Institutes of Health
Classification: Uncertain significance for Catecholaminergic polymorphic ventricular tachycardia. Last evaluated: 2023-12-07. Review status: criteria provided, single submitter. Criteria: ACMG Guidelines, 2015. Collection method: clinical testing. Allele origin: germline. Inheritance: Autosomal dominant inheritance. Observed: 1 variant allele, 1 heterozygote.
Comment: This missense variant replaces aspartic acid with glycine at codon 3704 of the RYR2 protein. Computational prediction is inconclusive regarding the impact of this variant on protein structure and function (internally defined REVEL score threshold 0.5 < inconclusive < 0.7, PMID: 27666373). To our knowledge, functional studies have not been reported for this variant. This variant has not been reported in individuals affected with cardiovascular disorders in the literature. This variant has not been identified in the general population by the Genome Aggregation Database (gnomAD). The available evidence is insufficient to determine the role of this variant in disease conclusively. Therefore, this variant is classified as a Variant of Uncertain Significance.

This study involves interpretation of variants in research participants for the purpose of population health screening. Participant phenotype was not available at the time of variant classification. Additional details can be found in publication PMID: 35346344, PMCID: PMC8962531

Labcorp Genetics (formerly Invitae), Labcorp
Classification: Uncertain significance for Catecholaminergic polymorphic ventricular tachycardia 1. Last evaluated: 2022-06-13. Review status: criteria provided, single submitter. Criteria: Invitae Variant Classification Sherloc (09022015). Collection method: clinical testing. Allele origin: germline.
Comment: This sequence change replaces aspartic acid, which is acidic and polar, with glycine, which is neutral and non-polar, at codon 3704 of the RYR2 protein (p.Asp3704Gly). The frequency data for this variant in the population databases is considered unreliable, as metrics indicate poor data quality at this position in the gnomAD database. This variant has not been reported in the literature in individuals affected with RYR2-related conditions. ClinVar contains an entry for this variant (Variation ID: 1171460). Advanced modeling of protein sequence and biophysical properties (such as structural, functional, and spatial information, amino acid conservation, physicochemical variation, residue mobility, and thermodynamic stability) performed at Invitae indicates that this missense variant is not expected to disrupt RYR2 protein function. In summary, the available evidence is currently insufficient to determine the role of this variant in disease. Therefore, it has been classified as a Variant of Uncertain Significance.

NM_001035.3(RYR2):c.11111A>G (p.Asp3704Gly)

Gene: RYR2 (ryanodine receptor 2; plus strand). Cytogenetic location: 1q43.
Variant type: single nucleotide variant.
Coding change: c.11111A>G on transcript NM_001035.3 (MANE Select); coding-DNA position 11111, A replaced by G.
Protein change: p.Asp3704Gly; replaces aspartic acid 3704 with glycine.
Molecular consequence: missense variant.
Genome position (GRCh38, 1-based): chr1:237,742,315, A>G. VCF-style: chr1-237742315-A-G. GRCh37 (hg19) VCF-style: chr1-237905615-A-G.
Other names: short protein forms D3704G.
Identifiers: ClinVar variation 1171460 (VCV001171460.6), dbSNP rs1334028810, ClinGen allele CA345422068.